The following is an entry in ClinVar:

NM_001005361.3(DNM2):c.822G>A (p.Thr274=)

Gene: DNM2 (dynamin 2; plus strand). Cytogenetic location: 19p13.2.
Variant type: single nucleotide variant.
Coding change: c.822G>A on transcript NM_001005361.3 (MANE Select); coding-DNA position 822, G replaced by A.
Protein change: p.Thr274=; no amino-acid change (threonine 274 retained).
Molecular consequence: synonymous variant.
Genome position (GRCh38, 1-based): chr19:10,783,093, G>A. VCF-style: chr19-10783093-G-A. GRCh37 (hg19) VCF-style: chr19-10893769-G-A.
Other names: p.Thr274=; c.822G>A, p.Thr274= (NM_001005360.3, NM_001005362.3, NM_001190716.2 and 1 more transcripts).
Identifiers: ClinVar variation 158528 (VCV000158528.52), dbSNP rs201763720, ClinGen allele CA172134.

ClinVar aggregate classification (germline): Conflicting classifications of pathogenicity. Review status: criteria provided, conflicting classifications (1 of 4 stars). 7 submissions from 7 submitters: Uncertain significance (1); Likely benign (6). Last evaluated 2026-08-01.

Conditions:
Inborn genetic diseases. Identifiers: MedGen C0950123, MeSH D030342.
Centronuclear myopathy (CNM). Also called: Myotubular myopathy; Centronuclear myopathy, congenital. Identifiers: Orphanet 595, MedGen C0175709, MONDO:0018947. Inheritance: All.
Charcot-Marie-Tooth disease dominant intermediate B (CMTDIB). Also called: CHARCOT-MARIE-TOOTH NEUROPATHY, DOMINANT INTERMEDIATE B; Charcot-Marie-Tooth disease dominant intermediate 1; CMT DI1; Charcot-Marie-Tooth disease dominant intermediate I. Identifiers: Orphanet 100044, Orphanet 228179, MedGen C1847902, MONDO:0011674, OMIM 606482.

Allele frequency attached by ClinVar (database versions not stated): ESP Exome Variant Server 0.00008; gnomAD 0.00013 and 0.00014; TOPMed 0.00014.
gnomAD v4.1: 132 of 1,612,928 alleles (0.0082%); highest among the groups gnomAD compares: Admixed American, 0.025%; no homozygotes.

Submissions (7):

CeGaT Center for Human Genetics Tuebingen
Classification: Likely benign. Last evaluated: 2026-08-01. Review status: criteria provided, single submitter. Criteria: CeGaT Center For Human Genetics Tuebingen Variant Classification Criteria Version 2. Collection method: clinical testing. Allele origin: germline. Affected: yes. Observed: 4 variant alleles.
Comment: DNM2: BP4, BP7

Labcorp Genetics (formerly Invitae), Labcorp
Classification: Likely benign for Charcot-Marie-Tooth disease dominant intermediate B. Last evaluated: 2026-01-18. Review status: criteria provided, single submitter. Criteria: Invitae Variant Classification Sherloc (09022015). Collection method: clinical testing. Allele origin: germline.

Mayo Clinic Laboratories, Mayo Clinic
Classification: Likely benign. Last evaluated: 2025-10-17. Review status: criteria provided, single submitter. Criteria: ACMG Guidelines, 2015. Collection method: clinical testing. Allele origin: germline. Observed: 4 variant alleles.
Comment: BS1, BP4, BP7

Ambry Genetics
Classification: Likely benign for Inborn genetic diseases. Last evaluated: 2019-07-11. Review status: criteria provided, single submitter. Criteria: Ambry Variant Classification Scheme 2023. Collection method: clinical testing. Allele origin: germline.

GeneDx
Classification: Likely benign. Last evaluated: 2018-04-05. Review status: criteria provided, single submitter. Criteria: GeneDx Variant Classification Process June 2021. Collection method: clinical testing. Allele origin: germline. Affected: yes.

Genetic Services Laboratory, University of Chicago
Classification: Uncertain significance for Myopathy, centronuclear. Last evaluated: 2013-02-08. Review status: criteria provided, single submitter. Criteria: ACMG Guidelines, 2007. Collection method: clinical testing. Allele origin: germline. Inheritance: Autosomal dominant inheritance.

PreventionGenetics, part of Exact Sciences
Classification: Likely benign. Review status: criteria provided, single submitter. Criteria: ACMG Guidelines, 2015. Collection method: clinical testing. Allele origin: germline.